The following is an entry in ClinVar:

ClinVar aggregate classification (germline): Uncertain significance (1 of 4 stars; one submission).

Conditions:
Charcot-Marie-Tooth disease axonal type 2Z. Also called: CHARCOT-MARIE-TOOTH DISEASE, AXONAL, AUTOSOMAL DOMINANT, TYPE 2Z; CHARCOT-MARIE-TOOTH NEUROPATHY, TYPE 2Z. Identifiers: Orphanet 466768, MedGen C5569025, MONDO:0014736, OMIM 616688.

Submission:

Labcorp Genetics (formerly Invitae), Labcorp
Classification: Uncertain significance for Charcot-Marie-Tooth disease axonal type 2Z. Last evaluated: 2018-06-13. Review status: criteria provided, single submitter. Criteria: Invitae Variant Classification Sherloc (09022015). Collection method: clinical testing. Allele origin: germline.
Comment: This sequence change replaces valine with phenylalanine at codon 850 of the MORC2 protein (p.Val850Phe). The valine residue is highly conserved and there is a small physicochemical difference between valine and phenylalanine. This variant is not present in population databases (ExAC no frequency). In summary, the available evidence is currently insufficient to determine the role of this variant in disease. Therefore, it has been classified as a Variant of Uncertain Significance. Algorithms developed to predict the effect of missense changes on protein structure and function are either unavailable or do not agree on the potential impact of this missense change (SIFT: "Tolerated"; PolyPhen-2: "Probably Damaging"; Align-GVGD: "Class C0"). This variant has not been reported in the literature in individuals with MORC2-related disease.

NM_001303256.3(MORC2):c.2734G>T (p.Val912Phe)

Gene: MORC2 (MORC family CW-type zinc finger 2; minus strand). Cytogenetic location: 22q12.2.
Variant type: single nucleotide variant.
Coding change: c.2734G>T on transcript NM_001303256.3 (MANE Select); coding-DNA position 2734, G replaced by T.
Protein change: p.Val912Phe; replaces valine 912 with phenylalanine.
Molecular consequence: missense variant.
Genome position (GRCh38, 1-based): chr22:30,932,558, C>A on the plus strand (G>T on the coding strand, the complement: MORC2 is on the minus strand). VCF-style: chr22-30932558-C-A. GRCh37 (hg19) VCF-style: chr22-31328545-C-A.
Other names: c.2734G>T, p.Val912Phe (NM_001303257.2); c.2548G>T, p.Val850Phe (NM_014941.3); short protein forms V850F, V912F.
Identifiers: ClinVar variation 568556 (VCV000568556.7), dbSNP rs1569188333, ClinGen allele CA411231709.